The following is an entry in ClinVar:

ClinVar aggregate classification (germline): Uncertain significance (1 of 4 stars; one submission).

Submission:

Labcorp Genetics (formerly Invitae), Labcorp
Classification: Uncertain significance. Last evaluated: 2020-07-01. Review status: criteria provided, single submitter. Criteria: Invitae Variant Classification Sherloc (09022015). Collection method: clinical testing. Allele origin: germline.
Comment: In summary, the available evidence is currently insufficient to determine the role of this variant in disease. Therefore, it has been classified as a Variant of Uncertain Significance. Algorithms developed to predict the effect of missense changes on protein structure and function (SIFT, PolyPhen-2, Align-GVGD) all suggest that this variant is likely to be disruptive, but these predictions have not been confirmed by published functional studies and their clinical significance is uncertain. This variant has not been reported in the literature in individuals with GRM6-related conditions. This variant is not present in population databases (ExAC no frequency). This sequence change replaces lysine with glutamine at codon 771 of the GRM6 protein (p.Lys771Gln). The lysine residue is highly conserved and there is a small physicochemical difference between lysine and glutamine.

NM_000843.4(GRM6):c.2311A>C (p.Lys771Gln)

Genes: GRM6 (glutamate metabotropic receptor 6; minus strand), ZNF454 (zinc finger protein 454; plus strand). Cytogenetic location: 5q35.3.
Variant type: single nucleotide variant.
Coding change: c.2311A>C on transcript NM_000843.4 (MANE Select); coding-DNA position 2311, A replaced by C.
Protein change: p.Lys771Gln; replaces lysine 771 with glutamine.
Molecular consequence: missense variant.
Genome position (GRCh38, 1-based): chr5:178,983,035, T>G on the plus strand (A>C on the coding strand, the complement: GRM6 is on the minus strand). VCF-style: chr5-178983035-T-G. GRCh37 (hg19) VCF-style: chr5-178410036-T-G.
Other names: short protein forms K771Q.
Identifiers: ClinVar variation 1006565 (VCV001006565.8), dbSNP rs1760431810, ClinGen allele CA362424486.